The following is an entry in ClinVar:

NM_052867.4(NALCN):c.4619G>A (p.Arg1540Gln)

Gene: NALCN (sodium leak channel, non-selective; minus strand). Cytogenetic location: 13q32.3.
Variant type: single nucleotide variant.
Coding change: c.4619G>A on transcript NM_052867.4 (MANE Select); coding-DNA position 4619, G replaced by A.
Protein change: p.Arg1540Gln; replaces arginine 1540 with glutamine.
Molecular consequence: missense variant.
Genome position (GRCh38, 1-based): chr13:101,062,104, C>T on the plus strand (G>A on the coding strand, the complement: NALCN is on the minus strand). VCF-style: chr13-101062104-C-T. GRCh37 (hg19) VCF-style: chr13-101714456-C-T.
Other names: c.4706G>A, p.Arg1569Gln (NM_001350748.2); c.4619G>A, p.Arg1540Gln (NM_001350749.2); c.4532G>A, p.Arg1511Gln (NM_001350750.2, NM_001350751.2); short protein forms R1540Q, R1569Q, R1511Q.
Identifiers: ClinVar variation 4745279 (VCV004745279.1).

ClinVar aggregate classification (germline): Uncertain significance (1 of 4 stars; one submission).

gnomAD v4.1: 7 of 1,614,008 alleles (0.00043%); highest among the groups gnomAD compares: South Asian, 0.0011%; no homozygotes.

Submission:

Labcorp Genetics (formerly Invitae), Labcorp
Classification: Uncertain significance. Last evaluated: 2025-12-09. Review status: criteria provided, single submitter. Criteria: Invitae Variant Classification Sherloc (09022015). Collection method: clinical testing. Allele origin: germline.
Comment: This sequence change replaces arginine, which is basic and polar, with glutamine, which is neutral and polar, at codon 1540 of the NALCN protein (p.Arg1540Gln). This variant is not present in population databases (gnomAD no frequency). This variant has not been reported in the literature in individuals affected with NALCN-related conditions. Invitae Evidence Modeling of protein sequence and biophysical properties (such as structural, functional, and spatial information, amino acid conservation, physicochemical variation, residue mobility, and thermodynamic stability) indicates that this missense variant is expected to disrupt NALCN protein function with a positive predictive value of 80%. In summary, the available evidence is currently insufficient to determine the role of this variant in disease. Therefore, it has been classified as a Variant of Uncertain Significance.